The following is an entry in ClinVar:

ClinVar aggregate classification (germline): Uncertain significance (1 of 4 stars; one submission).

Submission:

Ambry Genetics
Classification: Uncertain significance. Last evaluated: 2026-07-05. Review status: criteria provided, single submitter. Criteria: Ambry Variant Classification Scheme 2023. Collection method: clinical testing. Allele origin: germline.
Comment: The p.L506S variant (also known as c.1517T>C), located in coding exon 16 of the SRP72 gene, results from a T to C substitution at nucleotide position 1517. The leucine at codon 506 is replaced by serine, an amino acid with dissimilar properties. This amino acid position is conserved. In addition, this alteration is predicted to be deleterious by in silico analysis. Based on the available evidence, the clinical significance of this variant remains unclear.

NM_006947.4(SRP72):c.1517T>C (p.Leu506Ser)

Gene: SRP72 (signal recognition particle 72; plus strand). Cytogenetic location: 4q12.
Variant type: single nucleotide variant.
Coding change: c.1517T>C on transcript NM_006947.4 (MANE Select); coding-DNA position 1517, T replaced by C.
Protein change: p.Leu506Ser; replaces leucine 506 with serine.
Molecular consequence: missense variant. On other transcripts: non-coding transcript variant (1).
Genome position (GRCh38, 1-based): chr4:56,491,445, T>C. VCF-style: chr4-56491445-T-C. GRCh37 (hg19) VCF-style: chr4-57357611-T-C.
Other names: c.1334T>C, p.Leu445Ser (NM_001267722.2); short protein forms L445S, L506S.
Identifiers: ClinVar variation 5030226 (VCV005030226.1).
Genomic context (GRCh38, chr4:56,491,445, plus strand): 5'-TGTGTGTTTGTGTATATTATGTTCCTGAACTCCTGTTCTATCACAGTCTTAGTAAACACT[T>C]GCCATCGTCAGATAGTATGTCTCTAAAAGTAGATGTTGAGGCTCTTGAAAATTCTGCTGG-3'
Protein context (NP_008878.3, residues 496-516): PEKAKALSKH[Leu506Ser]PSSDSMSLKV